The following is an entry in ClinVar:

ClinVar aggregate classification (germline): Benign/Likely benign. Review status: criteria provided, multiple submitters, no conflicts (2 of 4 stars). 5 submissions from 5 submitters: Benign (3); Likely benign (1). 1 of the submissions does not count toward it. Last evaluated 2026-01-12.

Conditions:
Inborn genetic diseases. Identifiers: MedGen C0950123, MeSH D030342.
KBG syndrome (KBGS). Also called: ANKRD11-Related KBG Syndrome. Identifiers: Orphanet 2332, MedGen C0220687, MONDO:0007846, OMIM 148050.
ANKRD11-related disorder. Also called: ANKRD11-related condition.

Allele frequency attached by ClinVar (database versions not stated): gnomAD exomes 0.00005 and 0.00017; ExAC 0.00018; ESP Exome Variant Server 0.00037; 1000 Genomes Project 0.00060; 1000 Genomes Project 30x 0.00062; gnomAD 0.00070 and 0.00083; TOPMed 0.00076.
gnomAD v4.1: 194 of 1,575,314 alleles (0.012%); highest among the groups gnomAD compares: African/African-American, 0.21%; no homozygotes.

Submissions (5):

Labcorp Genetics (formerly Invitae), Labcorp
Classification: Likely benign for KBG syndrome. Last evaluated: 2026-01-12. Review status: criteria provided, single submitter. Criteria: Invitae Variant Classification Sherloc (09022015). Collection method: clinical testing. Allele origin: germline.

Ambry Genetics
Classification: Benign for Inborn genetic diseases. Last evaluated: 2024-03-14. Review status: criteria provided, single submitter. Criteria: Ambry Variant Classification Scheme 2023. Collection method: clinical testing. Allele origin: germline.

Genome-Nilou Lab
Classification: Benign for KBG syndrome. Last evaluated: 2021-12-05. Review status: criteria provided, single submitter. Criteria: ACMG Guidelines, 2015. Collection method: clinical testing. Allele origin: germline. Affected: no.

GeneDx
Classification: Benign. Last evaluated: 2020-03-13. Review status: criteria provided, single submitter. Criteria: GeneDx Variant Classification Process June 2021. Collection method: clinical testing. Allele origin: germline. Affected: yes.

PreventionGenetics, part of Exact Sciences
Classification: Likely benign for ANKRD11-related condition. Last evaluated: 2021-11-09. Review status: no assertion criteria provided. Collection method: clinical testing. Allele origin: germline. Not counted in ClinVar's aggregate classification.
Comment: This variant is classified as likely benign based on ACMG/AMP sequence variant interpretation guidelines (Richards et al. 2015 PMID: 25741868, with internal and published modifications).

NM_013275.6(ANKRD11):c.6193T>C (p.Phe2065Leu)

Gene: ANKRD11 (ankyrin repeat domain 11; minus strand). Cytogenetic location: 16q24.3.
Variant type: single nucleotide variant.
Coding change: c.6193T>C on transcript NM_013275.6 (MANE Select); coding-DNA position 6193, T replaced by C.
Protein change: p.Phe2065Leu; replaces phenylalanine 2065 with leucine.
Molecular consequence: missense variant.
Genome position (GRCh38, 1-based): chr16:89,280,349, A>G on the plus strand (T>C on the coding strand, the complement: ANKRD11 is on the minus strand). VCF-style: chr16-89280349-A-G. GRCh37 (hg19) VCF-style: chr16-89346757-A-G.
Other names: c.6193T>C, p.Phe2065Leu (NM_001256182.2, NM_001256183.2); c.6193T>C (NM_013275.4); short protein forms F2065L.
Identifiers: ClinVar variation 707102 (VCV000707102.17), dbSNP rs200351209, ClinGen allele CA8241540.